The following is an entry in ClinVar:

NM_006206.6(PDGFRA):c.1624C>T (p.Leu542Phe)

Gene: PDGFRA (platelet derived growth factor receptor alpha; plus strand). Cytogenetic location: 4q12.
Variant type: single nucleotide variant.
Coding change: c.1624C>T on transcript NM_006206.6 (MANE Select); coding-DNA position 1624, C replaced by T.
Protein change: p.Leu542Phe; replaces leucine 542 with phenylalanine.
Molecular consequence: missense variant.
Genome position (GRCh38, 1-based): chr4:54,274,596, C>T. VCF-style: chr4-54274596-C-T. GRCh37 (hg19) VCF-style: chr4-55140763-C-T.
Other names: c.1624C>T, p.Leu542Phe (NM_001347827.2, NM_001347829.2); c.1699C>T, p.Leu567Phe (NM_001347828.2); c.1663C>T, p.Leu555Phe (NM_001347830.2); short protein forms L542F, L555F, L567F.
Identifiers: ClinVar variation 407445 (VCV000407445.11), dbSNP rs1060501522, ClinGen allele CA16611465.

ClinVar aggregate classification (germline): Uncertain significance. Review status: criteria provided, multiple submitters, no conflicts (2 of 4 stars). 2 submissions from 2 submitters: Uncertain significance (2). Last evaluated 2025-11-25.

Conditions:
Hereditary cancer-predisposing syndrome. Also called: Neoplastic Syndromes, Hereditary; Hereditary Cancer Syndrome; Hereditary neoplastic syndrome; Tumor predisposition. Identifiers: Orphanet 140162, MedGen C0027672, MeSH D009386, MONDO:0015356.
Gastrointestinal stromal tumor. Also called: Gastrointestinal stroma tumor; Gastrointestinal stromal tumor, somatic. Identifiers: Orphanet 44890, MedGen C0238198, MeSH D046152, MONDO:0011719, OMIM 606764, HP:0100723.

Allele frequency attached by ClinVar (database versions not stated): gnomAD exomes below 0.00001.
gnomAD v4.1: 2 of 1,613,490 alleles (0.00012%); highest among the groups gnomAD compares: Non-Finnish European, 0.00017%; no homozygotes.

Submissions (2):

Labcorp Genetics (formerly Invitae), Labcorp
Classification: Uncertain significance for Gastrointestinal stromal tumor. Last evaluated: 2025-11-25. Review status: criteria provided, single submitter. Criteria: Invitae Variant Classification Sherloc (09022015). Collection method: clinical testing. Allele origin: germline.
Comment: This sequence change replaces leucine, which is neutral and non-polar, with phenylalanine, which is neutral and non-polar, at codon 542 of the PDGFRA protein (p.Leu542Phe). This variant is present in population databases (no rsID available, gnomAD 0.0009%). This variant has not been reported in the literature in individuals affected with PDGFRA-related conditions. ClinVar contains an entry for this variant (Variation ID: 407445). Invitae Evidence Modeling of protein sequence and biophysical properties (such as structural, functional, and spatial information, amino acid conservation, physicochemical variation, residue mobility, and thermodynamic stability) indicates that this missense variant is not expected to disrupt PDGFRA protein function with a negative predictive value of 80%. In summary, the available evidence is currently insufficient to determine the role of this variant in disease. Therefore, it has been classified as a Variant of Uncertain Significance.

Ambry Genetics
Classification: Uncertain significance for Hereditary cancer-predisposing syndrome. Last evaluated: 2025-01-16. Review status: criteria provided, single submitter. Criteria: Ambry Variant Classification Scheme 2023. Collection method: clinical testing. Allele origin: germline.
Comment: The p.L542F variant (also known as c.1624C>T), located in coding exon 10 of the PDGFRA gene, results from a C to T substitution at nucleotide position 1624. The leucine at codon 542 is replaced by phenylalanine, an amino acid with highly similar properties. This amino acid position is well conserved in available vertebrate species. In addition, the in silico prediction for this alteration is inconclusive. Based on the available evidence, the clinical significance of this variant remains unclear.